The following is an entry in ClinVar:

ClinVar aggregate classification (germline): Benign/Likely benign. Review status: criteria provided, multiple submitters, no conflicts (2 of 4 stars). 3 submissions from 3 submitters: Benign (2); Likely benign (1). Last evaluated 2022-07-06.

Conditions:
Spastic paraplegia. Identifiers: MedGen C0037772, HP:0001258.
Hereditary spastic paraplegia 33. Also called: SPASTIC PARAPLEGIA 33, AUTOSOMAL DOMINANT. Identifiers: MedGen C1853251, MONDO:0012448, OMIM 610244.

Allele frequency attached by ClinVar (database versions not stated): gnomAD 0.00014; TOPMed 0.00014; 1000 Genomes Project 30x 0.00016; gnomAD exomes 0.00018; 1000 Genomes Project 0.00020; ESP Exome Variant Server 0.00023; ExAC 0.00024.
gnomAD v4.1: 188 of 1,601,714 alleles (0.012%); highest among the groups gnomAD compares: Admixed American, 0.075%; no homozygotes.

Submissions (3):

Labcorp Genetics (formerly Invitae), Labcorp
Classification: Likely benign for Spastic paraplegia. Last evaluated: 2022-07-06. Review status: criteria provided, single submitter. Criteria: Invitae Variant Classification Sherloc (09022015). Collection method: clinical testing. Allele origin: germline.

Genome-Nilou Lab
Classification: Benign for Hereditary spastic paraplegia 33. Last evaluated: 2021-12-05. Review status: criteria provided, single submitter. Criteria: ACMG Guidelines, 2015. Collection method: clinical testing. Allele origin: germline. Affected: no.

Illumina Laboratory Services, Illumina
Classification: Benign for Hereditary spastic paraplegia 33. Last evaluated: 2018-01-12. Review status: criteria provided, single submitter. Criteria: ICSL Variant Classification Criteria 13 December 2019. Collection method: clinical testing. Allele origin: germline.
Comment: This variant was observed in the ICSL laboratory as part of a predisposition screen in an ostensibly healthy population. It had not been previously curated by ICSL or reported in the Human Gene Mutation Database (HGMD: prior to June 1st, 2018), and was therefore a candidate for classification through an automated scoring system. Utilizing variant allele frequency, disease prevalence and penetrance estimates, and inheritance mode, an automated score was calculated to assess if this variant is too frequent to cause the disease. Based on the score and internal cut-off values, a variant classified as benign is not then subjected to further curation. The score for this variant resulted in a classification of benign for this disease.

NM_001385875.1(ZFYVE27):c.424C>T (p.Arg142Cys)

Gene: ZFYVE27 (zinc finger FYVE-type containing 27; plus strand). Cytogenetic location: 10q24.2.
Variant type: single nucleotide variant.
Coding change: c.424C>T on transcript NM_001385875.1 (MANE Select); coding-DNA position 424, C replaced by T.
Protein change: p.Arg142Cys; replaces arginine 142 with cysteine.
Molecular consequence: missense variant. On other transcripts: non-coding transcript variant (15), intron variant (9).
Genome position (GRCh38, 1-based): chr10:97,744,884, C>T. VCF-style: chr10-97744884-C-T. GRCh37 (hg19) VCF-style: chr10-99504641-C-T.
Other names: c.424C>T, p.Arg142Cys (NM_001002261.4, NM_001002262.4, NM_001385871.1 and 10 more transcripts); c.328C>T, p.Arg110Cys (NM_001174119.2, NM_001385885.1, NM_001385887.1 and 1 more transcripts); c.130C>T, p.Arg44Cys (NM_001174121.2, NM_001385915.1); c.463C>T, p.Arg155Cys (NM_001385876.1); c.388C>T, p.Arg130Cys (NM_001385881.1); c.220C>T, p.Arg74Cys (NM_001385890.1, NM_001385891.1, NM_001385892.1 and 6 more transcripts); c.187C>T, p.Arg63Cys (NM_001385899.1, NM_001385900.1, NM_001385903.1 and 3 more transcripts); c.198-3385C>T (NM_001385902.1, NM_001385908.1, NM_001385901.1 and 3 more transcripts); and 2 more; short protein forms R142C, R110C, R44C, R130C, R155C, R63C, R74C.
Identifiers: ClinVar variation 301831 (VCV000301831.14), dbSNP rs145746084, ClinGen allele CA5635157.
Genomic context (GRCh38, chr10:97,744,884, plus strand): 5'-CTGATGCGGAGGAAGTATCATAGCGTGAGGCAGGAGGACCTGCAGAGAGGTCGCCTGTCT[C>T]GTCCCGAGGCCGTGGCTGAGGTGAAGAGCTTGTGAGTATGGAAGAGAGGCCAGGGAGGTG-3'
Protein context (NP_001372804.1, residues 132-152): QEDLQRGRLS[Arg142Cys]PEAVAEVKSF